The following is an entry in ClinVar:

ClinVar aggregate classification (germline): Uncertain significance. Review status: criteria provided, multiple submitters, no conflicts (2 of 4 stars). 2 submissions from 2 submitters: Uncertain significance (2). Last evaluated 2025-08-29.

Conditions:
Gorlin syndrome. Also called: Basal cell nevus syndrome; Nevoid Basal Cell Carcinoma Syndrome. Identifiers: Orphanet 377, MedGen C0004779, MONDO:0007187.
Medulloblastoma (MDB). Also called: Medulloblastoma, somatic; MEDULLOBLASTOMA PREDISPOSITION SYNDROME. Identifiers: Orphanet 616, MedGen C0025149, MeSH D008527, MONDO:0007959, OMIM 155255, HP:0002885.
Hereditary cancer-predisposing syndrome. Also called: Hereditary Cancer Syndrome; Tumor predisposition; Neoplastic Syndromes, Hereditary; Hereditary neoplastic syndrome. Identifiers: Orphanet 140162, MedGen C0027672, MeSH D009386, MONDO:0015356.

Submissions (2):

Ambry Genetics
Classification: Uncertain significance for Hereditary cancer-predisposing syndrome. Last evaluated: 2025-08-29. Review status: criteria provided, single submitter. Criteria: Ambry Variant Classification Scheme 2023. Collection method: clinical testing. Allele origin: germline.
Comment: The c.1442_1451del10 variant, located in coding exon 12 of the SUFU gene, results from a deletion of 10 nucleotides at nucleotide positions 1442 to 1451, causing a translational frameshift with a predicted alternate stop codon (p.S481Tfs*19). This alteration occurs at the 3' terminus of the gene, is not expected to trigger nonsense-mediated mRNAdecay and results in the elongation of the protein by 14 amino acids. This frameshift impacts the last 4amino acids of the native protein. The exact functional effect of the altered amino acids is unknown. Based on the available evidence, the clinical significance of this variant remains unclear.

Labcorp Genetics (formerly Invitae), Labcorp
Classification: Uncertain significance for Gorlin syndrome; Medulloblastoma. Last evaluated: 2025-06-29. Review status: criteria provided, single submitter. Criteria: Invitae Variant Classification Sherloc (09022015). Collection method: clinical testing. Allele origin: germline.
Comment: This sequence change is expected to alter the c-terminus of the SUFU protein (p.Ser481Thrfs*19). While this is not anticipated to result in nonsense mediated decay, it is expected to disrupt the last 4 amino acid(s) of the SUFU protein and extend the protein by 14 additional amino acid residues. This variant is not present in population databases (gnomAD no frequency). This variant has not been reported in the literature in individuals affected with SUFU-related conditions. ClinVar contains an entry for this variant (Variation ID: 650455). In summary, the available evidence is currently insufficient to determine the role of this variant in disease. Therefore, it has been classified as a Variant of Uncertain Significance.

NM_016169.4(SUFU):c.1442_1451del (p.Ser481fs)

Gene: SUFU (SUFU negative regulator of hedgehog signaling; plus strand). Cytogenetic location: 10q24.32.
Variant type: Deletion.
Coding change: c.1442_1451del on transcript NM_016169.4 (MANE Select); coding-DNA positions 1442 to 1451, 10 bases deleted (GTCCGCTACA; older notation c.1442_1451delGTCCGCTACA).
Protein change: p.Ser481fs; shifts the reading frame from serine 481.
Molecular consequence: frameshift variant.
Genome position (GRCh38, 1-based): chr10:102,630,142-102,630,151, GTCCGCTACA deleted; deleting any 10 consecutive bases within chr10:102,630,139-102,630,151 gives the same sequence; the c. name uses the placement nearest the transcript's 3' end. VCF-style (leftmost placement, unchanged base first): chr10-102630138-GACAGTCCGCT-G. GRCh37 (hg19) VCF-style: chr10-104389895-GACAGTCCGCT-G.
Other names: c.1442_1451del10 (NM_016169.3); short protein forms S481fs.
Identifiers: ClinVar variation 650455 (VCV000650455.16), dbSNP rs1324912821, ClinGen allele CA659082691.